The following is an entry in ClinVar:

NM_016284.5(CNOT1):c.2360C>T (p.Thr787Ile)

Gene: CNOT1 (CCR4-NOT transcription complex subunit 1; minus strand). Cytogenetic location: 16q21.
Variant type: single nucleotide variant.
Coding change: c.2360C>T on transcript NM_016284.5 (MANE Select); coding-DNA position 2360, C replaced by T.
Protein change: p.Thr787Ile; replaces threonine 787 with isoleucine.
Molecular consequence: missense variant. On other transcripts: non-coding transcript variant (1).
Genome position (GRCh38, 1-based): chr16:58,556,966, G>A on the plus strand (C>T on the coding strand, the complement: CNOT1 is on the minus strand). VCF-style: chr16-58556966-G-A. GRCh37 (hg19) VCF-style: chr16-58590870-G-A.
Other names: c.2360C>T, p.Thr787Ile (NM_001265612.2, NM_206999.3); short protein forms T787I.
Identifiers: ClinVar variation 2574238 (VCV002574238.1), dbSNP rs772071870, ClinGen allele CA396131109.

ClinVar aggregate classification (germline): Uncertain significance (1 of 4 stars; one submission).

Submission:

GeneDx
Classification: Uncertain significance. Last evaluated: 2023-01-27. Review status: criteria provided, single submitter. Criteria: GeneDx Variant Classification Process June 2021. Collection method: clinical testing. Allele origin: germline. Affected: yes.
Comment: Not observed at significant frequency in large population cohorts (gnomAD); In silico analysis supports that this missense variant does not alter protein structure/function; Has not been previously published as pathogenic or benign to our knowledge